The following is an entry in ClinVar:

NM_003718.5(CDK13):c.2046A>G (p.Ile682Met)

Gene: CDK13 (cyclin dependent kinase 13; plus strand). Cytogenetic location: 7p14.1.
Variant type: single nucleotide variant.
Coding change: c.2046A>G on transcript NM_003718.5 (MANE Select); coding-DNA position 2046, A replaced by G.
Protein change: p.Ile682Met; replaces isoleucine 682 with methionine.
Molecular consequence: missense variant.
Genome position (GRCh38, 1-based): chr7:39,999,364, A>G. VCF-style: chr7-39999364-A-G. GRCh37 (hg19) VCF-style: chr7-40038963-A-G.
Other names: c.2046A>G, p.Ile682Met (NM_031267.4); short protein forms I682M.
Identifiers: ClinVar variation 3359383 (VCV003359383.1).
Genomic context (GRCh38, chr7:39,999,364, plus strand): 5'-GACAGTTTATTCAATTTGCTTGATTGTATATAAAAACTTTAGAACTATATTTGATAGAAT[A>G]TGTGGGCCTCGCTATGGTGAAACCAAAGAAAAAGATATTGACTGGGGAAAACGCTGCGTG-3'
Protein context (NP_003709.3, residues 672-692): TQLHSKRRPK[Ile682Met]CGPRYGETKE

ClinVar aggregate classification (germline): Uncertain significance (1 of 4 stars; one submission).

Submission:

GeneDx
Classification: Uncertain significance. Last evaluated: 2023-06-04. Review status: criteria provided, single submitter. Criteria: GeneDx Variant Classification Process June 2021. Collection method: clinical testing. Allele origin: germline. Affected: yes.
Comment: Not observed at significant frequency in large population cohorts (gnomAD); In silico analysis supports that this missense variant has a deleterious effect on protein structure/function; Has not been previously published as pathogenic or benign to our knowledge